The following is an entry in ClinVar:

NM_032447.5(FBN3):c.7360C>A (p.Gln2454Lys)

Gene: FBN3 (fibrillin 3; minus strand). Cytogenetic location: 19p13.2.
Variant type: single nucleotide variant.
Coding change: c.7360C>A on transcript NM_032447.5 (MANE Select); coding-DNA position 7360, C replaced by A.
Protein change: p.Gln2454Lys; replaces glutamine 2454 with lysine.
Molecular consequence: missense variant.
Genome position (GRCh38, 1-based): chr19:8,081,096, G>T on the plus strand (C>A on the coding strand, the complement: FBN3 is on the minus strand). VCF-style: chr19-8081096-G-T. GRCh37 (hg19) VCF-style: chr19-8145980-G-T.
Other names: c.7360C>A, p.Gln2454Lys (NM_001321431.2); short protein forms Q2454K.
Identifiers: ClinVar variation 2621774 (VCV002621774.3), dbSNP rs201248488, ClinGen allele CA9150907.

ClinVar aggregate classification (germline): Uncertain significance. Review status: criteria provided, multiple submitters, no conflicts (2 of 4 stars). 2 submissions from 2 submitters: Uncertain significance (2). Last evaluated 2025-08-22.

Allele frequency attached by ClinVar (database versions not stated): gnomAD exomes 0.00002; TOPMed 0.00003; ExAC 0.00004; gnomAD 0.00004; 1000 Genomes Project 0.00020; 1000 Genomes Project 30x 0.00031.
gnomAD v4.1: 37 of 1,613,758 alleles (0.0023%); highest among the groups gnomAD compares: Admixed American, 0.018%; no homozygotes.

Submissions (2):

Labcorp Genetics (formerly Invitae), Labcorp
Classification: Uncertain significance. Last evaluated: 2025-08-22. Review status: criteria provided, single submitter. Criteria: Invitae Variant Classification Sherloc (09022015). Collection method: clinical testing. Allele origin: germline.
Comment: This sequence change replaces glutamine, which is neutral and polar, with lysine, which is basic and polar, at codon 2454 of the FBN3 protein (p.Gln2454Lys). This variant is present in population databases (rs201248488, gnomAD 0.02%). This variant has not been reported in the literature in individuals affected with FBN3-related conditions. ClinVar contains an entry for this variant (Variation ID: 2621774). Invitae Evidence Modeling of protein sequence and biophysical properties (such as structural, functional, and spatial information, amino acid conservation, physicochemical variation, residue mobility, and thermodynamic stability) indicates that this missense variant is not expected to disrupt FBN3 protein function with a negative predictive value of 80%. In summary, the available evidence is currently insufficient to determine the role of this variant in disease. Therefore, it has been classified as a Variant of Uncertain Significance.

Ambry Genetics
Classification: Uncertain significance. Last evaluated: 2023-08-28. Review status: criteria provided, single submitter. Criteria: Ambry Variant Classification Scheme 2023. Collection method: clinical testing. Allele origin: germline.